The following is an entry in ClinVar:

ClinVar aggregate classification (germline): Conflicting classifications of pathogenicity. Review status: criteria provided, conflicting classifications (1 of 4 stars). 2 submissions from 2 submitters: Pathogenic (1); Uncertain significance (1). Last evaluated 2026-01-29.

Submissions (2):

GeneDx
Classification: Pathogenic. Last evaluated: 2026-01-29. Review status: criteria provided, single submitter. Criteria: GeneDx Variant Classification Process June 2021. Collection method: clinical testing. Allele origin: germline.
Comment: Not observed at significant frequency in large population cohorts (gnomAD); In silico analysis supports that this missense variant has a deleterious effect on protein structure/function; This substitution is predicted to be within the extracellular loop between the S3 and S4 transmembrane segments; This variant is associated with the following publications: (PMID: 32532640)

CeGaT Center for Human Genetics Tuebingen
Classification: Uncertain significance. Last evaluated: 2019-04-01. Review status: criteria provided, single submitter. Criteria: CeGaT Center For Human Genetics Tuebingen Variant Classification Criteria Version 2. Collection method: clinical testing. Allele origin: germline. Affected: yes. Observed: 3 variant alleles.

NM_172107.4(KCNQ2):c.563A>C (p.Gln188Pro)

Gene: KCNQ2 (potassium voltage-gated channel subfamily Q member 2; minus strand). Cytogenetic location: 20q13.33.
Variant type: single nucleotide variant.
Coding change: c.563A>C on transcript NM_172107.4 (MANE Select); coding-DNA position 563, A replaced by C.
Protein change: p.Gln188Pro; replaces glutamine 188 with proline.
Molecular consequence: missense variant.
Genome position (GRCh38, 1-based): chr20:63,444,786, T>G on the plus strand (A>C on the coding strand, the complement: KCNQ2 is on the minus strand). VCF-style: chr20-63444786-T-G. GRCh37 (hg19) VCF-style: chr20-62076139-T-G.
Other names: c.563A>C, p.Gln188Pro (NM_004518.6, NM_172106.3, NM_172108.5 and 1 more transcripts); c.563A>C (NM_172107.2); short protein forms Q188P.
Identifiers: ClinVar variation 425272 (VCV000425272.44), dbSNP rs1064797285, ClinGen allele CA16621791.
Genomic context (GRCh38, chr20:63,444,786, plus strand): 5'-ATCCGCAGAATCTGCAGGAAGCGCAGGCTCCGGAGCGCAGATGTGGCAAAGACGTTGCCC[T>G]GGGAGCCGGCGGCCAGCACCGCAATGGAGGCGATGAGCACCATGATGTCTACAAAGCGGG-3'
Protein context (NP_742105.1, residues 178-198): ASIAVLAAGS[Gln188Pro]GNVFATSALR